The following is an entry in ClinVar:

NM_020631.6(PLEKHG5):c.86C>T (p.Pro29Leu)

Gene: PLEKHG5 (pleckstrin homology and RhoGEF domain containing G5; minus strand). Cytogenetic location: 1p36.31.
Variant type: single nucleotide variant.
Coding change: c.86C>T on transcript NM_020631.6 (MANE Select); coding-DNA position 86, C replaced by T.
Protein change: p.Pro29Leu; replaces proline 29 with leucine.
Molecular consequence: missense variant.
Genome position (GRCh38, 1-based): chr1:6,475,994, G>A on the plus strand (C>T on the coding strand, the complement: PLEKHG5 is on the minus strand). VCF-style: chr1-6475994-G-A. GRCh37 (hg19) VCF-style: chr1-6536054-G-A.
Other names: p.Pro106Leu; c.197C>T, p.Pro66Leu (NM_001042663.3, NM_001265592.2); c.86C>T, p.Pro29Leu (NM_001042664.2, NM_001042665.2, NM_001265594.3 and 1 more transcripts); c.293C>T, p.Pro98Leu (NM_001265593.2); short protein forms P29L, P98L, P66L.
Identifiers: ClinVar variation 575121 (VCV000575121.12), dbSNP rs998963899, ClinGen allele CA17245095.

ClinVar aggregate classification (germline): Uncertain significance. Review status: criteria provided, multiple submitters, no conflicts (2 of 4 stars). 3 submissions from 3 submitters: Uncertain significance (3). Last evaluated 2023-09-28.

Conditions:
Neuronopathy, distal hereditary motor, autosomal recessive 4. Also called: NEUROPATHY, DISTAL HEREDITARY MOTOR, AUTOSOMAL RECESSIVE 4; Autosomal recessive lower motor neuron disease with childhood onset. Identifiers: Orphanet 206580, MedGen C1970211, MONDO:0012608, OMIM 611067.
Charcot-Marie-Tooth disease recessive intermediate C. Also called: CHARCOT-MARIE-TOOTH NEUROPATHY, RECESSIVE INTERMEDIATE C. Identifiers: Orphanet 369867, MedGen C3809309, MONDO:0014154, OMIM 615376.
Inborn genetic diseases. Identifiers: MedGen C0950123, MeSH D030342.

Allele frequency attached by ClinVar (database versions not stated): gnomAD exomes 0.00001 and 0.00002.

Submissions (3):

Ambry Genetics
Classification: Uncertain significance for Inborn genetic diseases. Last evaluated: 2023-09-28. Review status: criteria provided, single submitter. Criteria: Ambry Variant Classification Scheme 2023. Collection method: clinical testing. Allele origin: germline.

Labcorp Genetics (formerly Invitae), Labcorp
Classification: Uncertain significance for Neuronopathy, distal hereditary motor, autosomal recessive 4; Charcot-Marie-Tooth disease recessive intermediate C. Last evaluated: 2022-07-06. Review status: criteria provided, single submitter. Criteria: Invitae Variant Classification Sherloc (09022015). Collection method: clinical testing. Allele origin: germline.
Comment: This sequence change replaces proline, which is neutral and non-polar, with leucine, which is neutral and non-polar, at codon 29 of the PLEKHG5 protein (p.Pro29Leu). This variant is present in population databases (no rsID available, gnomAD 0.007%). This variant has not been reported in the literature in individuals affected with PLEKHG5-related conditions. ClinVar contains an entry for this variant (Variation ID: 575121). Algorithms developed to predict the effect of missense changes on protein structure and function are either unavailable or do not agree on the potential impact of this missense change (SIFT: "Tolerated"; PolyPhen-2: "Probably Damaging"; Align-GVGD: "Class C0"). In summary, the available evidence is currently insufficient to determine the role of this variant in disease. Therefore, it has been classified as a Variant of Uncertain Significance.

Mayo Clinic Laboratories, Mayo Clinic
Classification: Uncertain significance. Last evaluated: 2021-07-08. Review status: criteria provided, single submitter. Criteria: ACMG Guidelines, 2015. Collection method: clinical testing. Allele origin: germline.